The following is an entry in ClinVar:

ClinVar aggregate classification (germline): Uncertain significance (0 of 4 stars; one submission).

Conditions:
SALL4-Related Disorders. Also called: SALL4-related condition; SALL4-related disorder. Identifiers: MedGen CN381056.

gnomAD v4.1: 1 of 1,614,210 alleles (0.000062%); highest among the groups gnomAD compares: Non-Finnish European, 0.000085%; no homozygotes.

Submission:

PreventionGenetics, part of Exact Sciences
Classification: Uncertain significance for SALL4-related condition. Last evaluated: 2024-07-03. Review status: no assertion criteria provided. Collection method: clinical testing. Allele origin: germline.
Comment: The SALL4 c.780G>C variant is predicted to result in the amino acid substitution p.Leu260Phe. To our knowledge, this variant has not been reported in the literature or in a large population database, indicating this variant is rare. At this time, the clinical significance of this variant is uncertain due to the absence of conclusive functional and genetic evidence.

NM_020436.5(SALL4):c.780G>C (p.Leu260Phe)

Gene: SALL4 (spalt like transcription factor 4; minus strand). Cytogenetic location: 20q13.2.
Variant type: single nucleotide variant.
Coding change: c.780G>C on transcript NM_020436.5 (MANE Select); coding-DNA position 780, G replaced by C.
Protein change: p.Leu260Phe; replaces leucine 260 with phenylalanine.
Molecular consequence: missense variant.
Genome position (GRCh38, 1-based): chr20:51,791,703, C>G on the plus strand (G>C on the coding strand, the complement: SALL4 is on the minus strand). VCF-style: chr20-51791703-C-G. GRCh37 (hg19) VCF-style: chr20-50408242-C-G.
Other names: c.780G>C, p.Leu260Phe (NM_001318031.2); short protein forms L260F.
Identifiers: ClinVar variation 3345785 (VCV003345785.1).